The following is an entry in ClinVar:

ClinVar aggregate classification (germline): Uncertain significance. Review status: criteria provided, multiple submitters, no conflicts (2 of 4 stars). 7 submissions from 6 submitters: Uncertain significance (6). 1 of the submissions does not count toward it. Last evaluated 2024-04-30.

Conditions:
Inborn genetic diseases. Identifiers: MedGen C0950123, MeSH D030342.
Retinitis pigmentosa 39 (RP39). Identifiers: Orphanet 791, MedGen C3151138, MONDO:0013436, OMIM 613809.
Usher syndrome type 2A. Also called: RETINAL DISEASE IN USHER SYNDROME TYPE IIA, MODIFIER OF; USHER SYNDROME, TYPE IIA. Identifiers: Orphanet 231178, Orphanet 886, MedGen C1848634, MONDO:0010169, OMIM 276901.

Allele frequency attached by ClinVar (database versions not stated): ExAC 0.00002; gnomAD exomes 0.00002.

Submissions (7):

Ambry Genetics
Classification: Uncertain significance for Inborn genetic diseases. Last evaluated: 2024-04-30. Review status: criteria provided, single submitter. Criteria: Ambry Variant Classification Scheme 2023. Collection method: clinical testing. Allele origin: germline.

Blueprint Genetics
Classification: Uncertain significance. Last evaluated: 2024-03-09. Review status: criteria provided, single submitter. Criteria: ACMG Guidelines, 2015. Collection method: clinical testing. Allele origin: germline.

Labcorp Genetics (formerly Invitae), Labcorp
Classification: Uncertain significance. Last evaluated: 2022-07-18. Review status: criteria provided, single submitter. Criteria: Invitae Variant Classification Sherloc (09022015). Collection method: clinical testing. Allele origin: germline.
Comment: This sequence change replaces glutamine, which is neutral and polar, with histidine, which is basic and polar, at codon 1601 of the USH2A protein (p.Gln1601His). This variant is present in population databases (rs761306493, gnomAD 0.004%). This variant has not been reported in the literature in individuals affected with USH2A-related conditions. ClinVar contains an entry for this variant (Variation ID: 289904). Algorithms developed to predict the effect of missense changes on protein structure and function are either unavailable or do not agree on the potential impact of this missense change (SIFT: "Deleterious"; PolyPhen-2: "Possibly Damaging"; Align-GVGD: "Class C0"). In summary, the available evidence is currently insufficient to determine the role of this variant in disease. Therefore, it has been classified as a Variant of Uncertain Significance.

Genome-Nilou Lab
Classification: Uncertain significance for Usher syndrome type 2A. Last evaluated: 2021-07-22. Review status: criteria provided, single submitter. Criteria: ACMG Guidelines, 2015. Collection method: clinical testing. Allele origin: germline. Affected: no.

Genome-Nilou Lab
Classification: Uncertain significance for Retinitis pigmentosa 39. Last evaluated: 2021-07-22. Review status: criteria provided, single submitter. Criteria: ACMG Guidelines, 2015. Collection method: clinical testing. Allele origin: germline. Affected: no.

Eurofins Ntd Llc (ga)
Classification: Uncertain significance. Last evaluated: 2016-08-16. Review status: criteria provided, single submitter. Criteria: EGL Classification Definitions 2015. Collection method: clinical testing. Allele origin: germline. Observed: 1 variant allele, 1 heterozygote.

Natera, Inc.
Classification: Uncertain significance for Usher syndrome type 2A. Last evaluated: 2019-11-11. Review status: no assertion criteria provided. Collection method: clinical testing. Allele origin: germline. Not counted in ClinVar's aggregate classification.

NM_206933.4(USH2A):c.4803A>T (p.Gln1601His)

Gene: USH2A (usherin; minus strand). Cytogenetic location: 1q41.
Variant type: single nucleotide variant.
Coding change: c.4803A>T on transcript NM_206933.4 (MANE Select); coding-DNA position 4803, A replaced by T.
Protein change: p.Gln1601His; replaces glutamine 1601 with histidine.
Molecular consequence: missense variant.
Genome position (GRCh38, 1-based): chr1:216,089,095, T>A on the plus strand (A>T on the coding strand, the complement: USH2A is on the minus strand). VCF-style: chr1-216089095-T-A. GRCh37 (hg19) VCF-style: chr1-216262437-T-A.
Other names: short protein forms Q1601H.
Identifiers: ClinVar variation 289904 (VCV000289904.13), dbSNP rs761306493, ClinGen allele CA1395615.